The following is an entry in ClinVar:

NM_000545.8(HNF1A):c.1873C>T (p.Gln625Ter)

Genes: C12orf43 (chromosome 12 open reading frame 43; minus strand), HNF1A (HNF1 homeobox A; plus strand). Cytogenetic location: 12q24.31.
Variant type: single nucleotide variant.
Coding change: c.1873C>T on transcript NM_000545.8 (MANE Select); coding-DNA position 1873, C replaced by T.
Protein change: p.Gln625Ter; replaces glutamine 625 with a stop codon.
Molecular consequence: nonsense. On other transcripts: 3 prime UTR variant (3).
Genome position (GRCh38, 1-based): chr12:121,001,169, C>T. VCF-style: chr12-121001169-C-T. GRCh37 (hg19) VCF-style: chr12-121438972-C-T.
Other names: NM_022895.3:c.*2984G>A; NM_000545.8(HNF1A):c.1873C>T; p.Gln625Ter; c.*2984G>A (NM_001286191.2, NM_001286196.2, NM_022895.3); c.1894C>T, p.Gln632Ter (NM_001306179.2); c.1681C>T, p.Gln561Ter (NM_001406915.1); short protein forms Q625*, Q632*, Q561*.
Identifiers: ClinVar variation 1687090 (VCV001687090.4), dbSNP rs1057473810, ClinGen allele CA386941334.

ClinVar aggregate classification (germline): Likely benign (3 of 4 stars; one submission).

Conditions:
Monogenic diabetes. Identifiers: Orphanet 183625, MedGen C3888631, MONDO:0015967.

Submission:

ClinGen Monogenic Diabetes Variant Curation Expert Panel
Classification: Likely benign for Monogenic diabetes. Last evaluated: 2026-03-26. Review status: reviewed by expert panel. Criteria: ClinGen Diabetes ACMG Specifications HNF1A V3.1.0. Collection method: curation. Allele origin: germline. Inheritance: Autosomal dominant inheritance.
Comment: The c.1873C>T variant in the HNF1 homeobox A gene, HNF1A, results in a premature termination at codon 625 (p.(Gln625Ter)) of NM_000545.8. This nonsense variant, located 3’ of codon 601 in exon 10 of 10, is not predicted to result in nonsense mediated decay of the transcript nor to significantly disrupt the transactivation domain of the protein. There is insufficient clinical evidence that variants in this region lead to a monogenic diabetes phenotype (PVS1_Supporting). This variant is absent from gnomAD v4.1.0 (PM2_Supporting). In summary, c.1873C>T meets the criteria to be classified as likely benign for monogenic diabetes. ACMG/AMP criteria applied, as specified by the ClinGen MDEP (specification version 3.1.0, approved 10/10/2025): PVS1_Supporting, PM2_Supporting, BS2.